The following is an entry in ClinVar:

ClinVar aggregate classification (germline): Uncertain significance (1 of 4 stars; one submission).

Conditions:
Classic or attenuated familial adenomatous polyposis. Identifiers: MedGen CN372698, MONDO:0021057.

Submission:

All of Us Research Program, National Institutes of Health
Classification: Uncertain significance for Classic or attenuated familial adenomatous polyposis. Last evaluated: 2024-09-11. Review status: criteria provided, single submitter. Criteria: ACMG Guidelines, 2015. Collection method: clinical testing. Allele origin: germline. Inheritance: Autosomal dominant inheritance. Observed: 1 variant allele, 1 heterozygote.
Comment: This study involves interpretation of variants in research participants for the purpose of population health screening. Participant phenotype was not available at the time of variant classification. Additional details can be found in publication PMID: 35346344, PMCID: PMC8962531

NM_000038.6(APC):c.548A>C (p.Asp183Ala)

Gene: APC (APC regulator of WNT signaling pathway; plus strand). Cytogenetic location: 5q22.2.
Variant type: single nucleotide variant.
Coding change: c.548A>C on transcript NM_000038.6 (MANE Select); coding-DNA position 548, A replaced by C.
Protein change: p.Asp183Ala; replaces aspartic acid 183 with alanine.
Molecular consequence: missense variant. On other transcripts: 5 prime UTR variant (4), non-coding transcript variant (2).
Genome position (GRCh38, 1-based): chr5:112,780,806, A>C. VCF-style: chr5-112780806-A-C. GRCh37 (hg19) VCF-style: chr5-112116503-A-C.
Other names: c.548A>C, p.Asp183Ala (NM_001127510.3, NM_001354895.2, NM_001354896.2 and 16 more transcripts); c.578A>C, p.Asp193Ala (NM_001127511.3, NM_001354897.2, NM_001354902.2 and 1 more transcripts); c.473A>C, p.Asp158Ala (NM_001354898.2, NM_001354904.2, NM_001407451.1); c.371A>C, p.Asp124Ala (NM_001354900.2, NM_001354901.2, NM_001354905.2 and 1 more transcripts); c.-488A>C (NM_001354906.2, NM_001407470.1, NM_001407471.1 and 1 more transcripts); short protein forms D124A, D158A, D183A, D193A.
Identifiers: ClinVar variation 3385851 (VCV003385851.1).